The following is an entry in ClinVar:

NM_020937.4(FANCM):c.4825G>A (p.Asp1609Asn)

Gene: FANCM (FA complementation group M; plus strand). Cytogenetic location: 14q21.2.
Variant type: single nucleotide variant.
Coding change: c.4825G>A on transcript NM_020937.4 (MANE Select); coding-DNA position 4825, G replaced by A.
Protein change: p.Asp1609Asn; replaces aspartic acid 1609 with asparagine.
Molecular consequence: missense variant.
Genome position (GRCh38, 1-based): chr14:45,188,847, G>A. VCF-style: chr14-45188847-G-A. GRCh37 (hg19) VCF-style: chr14-45658050-G-A.
Other names: c.4747G>A, p.Asp1583Asn (NM_001308133.2); short protein forms D1609N, D1583N.
Identifiers: ClinVar variation 2045239 (VCV002045239.4), dbSNP rs1889574071, ClinGen allele CA389610970.

ClinVar aggregate classification (germline): Uncertain significance (1 of 4 stars; one submission).

Conditions:
Fanconi anemia (FA). Also called: Fanconi's anemia. Identifiers: Orphanet 84, MedGen C0015625, MeSH D005199, MONDO:0019391.

Allele frequency attached by ClinVar (database versions not stated): TOPMed below 0.00001.

Submission:

Labcorp Genetics (formerly Invitae), Labcorp
Classification: Uncertain significance for Fanconi anemia. Last evaluated: 2021-12-17. Review status: criteria provided, single submitter. Criteria: Invitae Variant Classification Sherloc (09022015). Collection method: clinical testing. Allele origin: germline.
Comment: This sequence change replaces aspartic acid, which is acidic and polar, with asparagine, which is neutral and polar, at codon 1609 of the FANCM protein (p.Asp1609Asn). In summary, the available evidence is currently insufficient to determine the role of this variant in disease. Therefore, it has been classified as a Variant of Uncertain Significance. Algorithms developed to predict the effect of missense changes on protein structure and function output the following: SIFT: "Tolerated"; PolyPhen-2: "Benign"; Align-GVGD: "Class C0". The asparagine amino acid residue is found in multiple mammalian species, which suggests that this missense change does not adversely affect protein function. This variant has not been reported in the literature in individuals affected with FANCM-related conditions. This variant is not present in population databases (gnomAD no frequency).